The following is an entry in ClinVar:

ClinVar aggregate classification (germline): Uncertain significance (1 of 4 stars; one submission).

Submission:

Ambry Genetics
Classification: Uncertain significance. Last evaluated: 2023-11-02. Review status: criteria provided, single submitter. Criteria: Ambry Variant Classification Scheme 2023. Collection method: clinical testing. Allele origin: germline.
Comment: The p.V247I variant (also known as c.739G>A), located in coding exon 8 of the FAM175A gene, results from a G to A substitution at nucleotide position 739. The valine at codon 247 is replaced by isoleucine, an amino acid with highly similar properties. This amino acid position is conserved. In addition, this alteration is predicted to be tolerated by in silico analysis. Since supporting evidence is limited at this time, the clinical significance of this alteration remains unclear.

NM_139076.3(ABRAXAS1):c.739G>A (p.Val247Ile)

Gene: ABRAXAS1 (abraxas 1, BRCA1 A complex subunit; minus strand). Cytogenetic location: 4q21.23.
Variant type: single nucleotide variant.
Coding change: c.739G>A on transcript NM_139076.3 (MANE Select); coding-DNA position 739, G replaced by A.
Protein change: p.Val247Ile; replaces valine 247 with isoleucine.
Molecular consequence: missense variant.
Genome position (GRCh38, 1-based): chr4:83,463,551, C>T on the plus strand (G>A on the coding strand, the complement: ABRAXAS1 is on the minus strand). VCF-style: chr4-83463551-C-T. GRCh37 (hg19) VCF-style: chr4-84384704-C-T.
Other names: c.412G>A, p.Val138Ile (NM_001345962.2); short protein forms V138I, V247I.
Identifiers: ClinVar variation 1799927 (VCV001799927.2), dbSNP rs1006168284, ClinGen allele CA100679085.
Genomic context (GRCh38, chr4:83,463,551, plus strand): 5'-TACTTGCTGCCTGAATCTGTGCTCCTCTCCTTTTCTCAATTTCTCGTTTTAATCTGTTTA[C>T]ATCCTTTACTAGTTTATCTACTGCTTGTTCACTGTCTTCCACTTTTTTGCATATACTCTG-3'
Protein context (NP_620775.2, residues 237-257): EQAVDKLVKD[Val247Ile]NRLKREIEKR